The following is an entry in ClinVar:

ClinVar aggregate classification (germline): Likely pathogenic (1 of 4 stars; one submission).

Conditions:
Radio-Tartaglia syndrome. Identifiers: Orphanet 662234, MedGen C5543339, MONDO:0859143, OMIM 619312.

Submission:

3billion
Classification: Likely pathogenic for Radio-Tartaglia syndrome. Last evaluated: 2022-01-03. Review status: criteria provided, single submitter. Criteria: ACMG Guidelines, 2015. Collection method: clinical testing. Allele origin: germline. Affected: yes. Observed: 1 heterozygote.
Comment: Frameshift: predicted to result in a loss or disruption of normal protein function through nonsense-mediated decay (NMD) or protein truncation. Multiple pathogenic variants are reported downstream of the variant (PVS1_VS). It is not observed in the gnomAD v2.1.1 dataset (PM2_M). Therefore, this variant is classified as likely pathogenic according to the recommendation of ACMG/AMP guideline.

NM_015001.3(SPEN):c.5927del (p.Lys1976fs)

Gene: SPEN (spen family transcriptional repressor; plus strand). Cytogenetic location: 1p36.13.
Variant type: Deletion.
Coding change: c.5927del on transcript NM_015001.3 (MANE Select); coding-DNA position 5927, one base deleted (A; older notation c.5927delA).
Protein change: p.Lys1976fs; shifts the reading frame from lysine 1976.
Molecular consequence: frameshift variant.
Genome position (GRCh38, 1-based): chr1:15,932,167, A deleted; the last of 2 consecutive A bases (chr1:15,932,166-15,932,167); deleting either gives the same sequence. VCF-style (leftmost placement, unchanged base first): chr1-15932165-CA-C. GRCh37 (hg19) VCF-style: chr1-16258660-CA-C.
Other names: short protein forms K1976fs.
Identifiers: ClinVar variation 1333350 (VCV001333350.1), dbSNP rs2148740737, ClinGen allele CA2573051392.